The following is an entry in ClinVar:

ClinVar aggregate classification (germline): Uncertain significance (1 of 4 stars; one submission).

Conditions:
Charcot-Marie-Tooth disease type 4. Also called: Charcot-Marie-Tooth disease, type IV; Charcot-Marie-Tooth, Type 4. Identifiers: Orphanet 64749, MedGen C4082197, MONDO:0018995.

Submission:

Labcorp Genetics (formerly Invitae), Labcorp
Classification: Uncertain significance for Charcot-Marie-Tooth disease type 4. Last evaluated: 2018-10-26. Review status: criteria provided, single submitter. Criteria: Invitae Variant Classification Sherloc (09022015). Collection method: clinical testing. Allele origin: germline.
Comment: In summary, the available evidence is currently insufficient to determine the role of this variant in disease. Therefore, it has been classified as a Variant of Uncertain Significance. Algorithms developed to predict the effect of sequence changes on RNA splicing suggest that this variant may create or strengthen a splice site, but this prediction has not been confirmed by published transcriptional studies. Algorithms developed to predict the effect of missense changes on protein structure and function are either unavailable or do not agree on the potential impact of this missense change (SIFT: "Tolerated"; PolyPhen-2: "Probably Damaging"; Align-GVGD: "Class C0"). This variant has not been reported in the literature in individuals with SBF2-related disease. This variant is not present in population databases (ExAC no frequency). This sequence change replaces glutamine with glutamic acid at codon 1474 of the SBF2 protein (p.Gln1474Glu). The glutamine residue is highly conserved and there is a small physicochemical difference between glutamine and glutamic acid.

NM_030962.4(SBF2):c.4420C>G (p.Gln1474Glu)

Genes: SBF2 (SET binding factor 2; minus strand), SBF2-AS1 (SBF2 antisense RNA 1; plus strand). Cytogenetic location: 11p15.4.
Variant type: single nucleotide variant.
Coding change: c.4420C>G on transcript NM_030962.4 (MANE Select); coding-DNA position 4420, C replaced by G.
Protein change: p.Gln1474Glu; replaces glutamine 1474 with glutamic acid.
Molecular consequence: missense variant. On other transcripts: non-coding transcript variant (1).
Genome position (GRCh38, 1-based): chr11:9,808,023, G>C on the plus strand (C>G on the coding strand, the complement: SBF2 is on the minus strand). VCF-style: chr11-9808023-G-C. GRCh37 (hg19) VCF-style: chr11-9829570-G-C.
Other names: c.4516C>G, p.Gln1506Glu (NM_001386339.1); c.4291C>G, p.Gln1431Glu (NM_001386342.1); short protein forms Q1474E, Q1431E, Q1506E.
Identifiers: ClinVar variation 648104 (VCV000648104.9), dbSNP rs1590130857, ClinGen allele CA379639294.